The following is an entry in ClinVar:

ClinVar aggregate classification (germline): Uncertain significance. Review status: criteria provided, multiple submitters, no conflicts (2 of 4 stars). 3 submissions from 3 submitters: Uncertain significance (3). Last evaluated 2026-04-29.

Conditions:
Hereditary pheochromocytoma and paraganglioma. Also called: Hereditary Paraganglioma-Pheochromocytoma Syndromes; Hereditary paragangliomas and pheochromocytomas; Hereditary pheochromocytoma-paraganglioma. Identifiers: Orphanet 29072, MedGen C4274332, MONDO:0017366.
Pheochromocytoma. Also called: MAX-Related Hereditary Paraganglioma-Pheochromocytoma Syndrome. Identifiers: Orphanet 29072, MedGen C0031511, MONDO:0008233, OMIM 171300, HP:0002666.
Pheochromocytoma/paraganglioma syndrome 4. Also called: CAROTID BODY TUMORS AND MULTIPLE EXTRAADRENAL PHEOCHROMOCYTOMAS; PARAGANGLIOMA, FAMILIAL MALIGNANT; PARAGANGLIOMAS, HEREDITARY EXTRAADRENAL; PHEOCHROMOCYTOMA, FAMILIAL EXTRAADRENAL; Paragangliomas 4; SDHB-Related Hereditary Paraganglioma-Pheochromocytoma Syndrome (Paragangliomas 4). Identifiers: Orphanet 29072, MedGen C1861848, MONDO:0007273, OMIM 115310.
Gastrointestinal stromal tumor. Also called: Gastrointestinal stromal tumor, somatic; Gastrointestinal stroma tumor. Identifiers: Orphanet 44890, MedGen C0238198, MeSH D046152, MONDO:0011719, OMIM 606764, HP:0100723.
Hereditary cancer-predisposing syndrome. Also called: Neoplastic Syndromes, Hereditary; Tumor predisposition; Hereditary Cancer Syndrome; Hereditary neoplastic syndrome. Identifiers: Orphanet 140162, MedGen C0027672, MeSH D009386, MONDO:0015356.

Submissions (3):

Ambry Genetics
Classification: Uncertain significance for Hereditary cancer-predisposing syndrome. Last evaluated: 2026-04-29. Review status: criteria provided, single submitter. Criteria: Ambry Variant Classification Scheme 2023. Collection method: clinical testing. Allele origin: germline.
Comment: The p.Y216H variant (also known as c.646T>C), located in coding exon 7 of the SDHB gene, results from a T to C substitution at nucleotide position 646. The tyrosine at codon 216 is replaced by histidine, an amino acid with similar properties. This amino acid position is conserved. In addition, this alteration is predicted to be deleterious by in silico analysis. Since supporting evidence is limited at this time, the clinical significance of this alteration remains unclear.

Color Diagnostics, LLC DBA Color Health
Classification: Uncertain significance for Hereditary pheochromocytoma and paraganglioma. Last evaluated: 2025-07-07. Review status: criteria provided, single submitter. Criteria: ACMG Guidelines, 2015. Collection method: clinical testing. Allele origin: germline.
Comment: This missense variant replaces tyrosine with histidine at codon 216 of the SDHB protein. Computational prediction suggests that this variant may have deleterious impact on protein structure and function. To our knowledge, functional studies have not been reported for this variant. This variant has not been reported in individuals affected with SDHB-related disorders in the literature. This variant has not been identified in the general population by the Genome Aggregation Database (gnomAD). The available evidence is insufficient to determine the role of this variant in disease conclusively. Therefore, this variant is classified as a Variant of Uncertain Significance.

Labcorp Genetics (formerly Invitae), Labcorp
Classification: Uncertain significance for Gastrointestinal stromal tumor; Pheochromocytoma/paraganglioma syndrome 4; Pheochromocytoma. Last evaluated: 2024-02-15. Review status: criteria provided, single submitter. Criteria: Invitae Variant Classification Sherloc (09022015). Collection method: clinical testing. Allele origin: germline.
Comment: This sequence change replaces tyrosine, which is neutral and polar, with histidine, which is basic and polar, at codon 216 of the SDHB protein (p.Tyr216His). This variant is not present in population databases (gnomAD no frequency). This variant has not been reported in the literature in individuals affected with SDHB-related conditions. ClinVar contains an entry for this variant (Variation ID: 1753711). Advanced modeling of protein sequence and biophysical properties (such as structural, functional, and spatial information, amino acid conservation, physicochemical variation, residue mobility, and thermodynamic stability) performed at Invitae indicates that this missense variant is not expected to disrupt SDHB protein function with a negative predictive value of 80%. In summary, the available evidence is currently insufficient to determine the role of this variant in disease. Therefore, it has been classified as a Variant of Uncertain Significance.

NM_003000.3(SDHB):c.646T>C (p.Tyr216His)

Gene: SDHB (succinate dehydrogenase complex iron sulfur subunit B; minus strand). Cytogenetic location: 1p36.13.
Variant type: single nucleotide variant.
Coding change: c.646T>C on transcript NM_003000.3 (MANE Select); coding-DNA position 646, T replaced by C.
Protein change: p.Tyr216His; replaces tyrosine 216 with histidine.
Molecular consequence: missense variant.
Genome position (GRCh38, 1-based): chr1:17,022,727, A>G on the plus strand (T>C on the coding strand, the complement: SDHB is on the minus strand). VCF-style: chr1-17022727-A-G. GRCh37 (hg19) VCF-style: chr1-17349222-A-G.
Other names: c.592T>C, p.Tyr198His (NM_001407361.1); short protein forms Y198H, Y216H.
Identifiers: ClinVar variation 1753711 (VCV001753711.7), dbSNP rs2525004429, ClinGen allele CA338270515.